The following is an entry in ClinVar:

NM_003331.5(TYK2):c.3318G>T (p.Thr1106=)

Gene: TYK2 (tyrosine kinase 2; minus strand). Cytogenetic location: 19p13.2.
Variant type: single nucleotide variant.
Coding change: c.3318G>T on transcript NM_003331.5 (MANE Select); coding-DNA position 3318, G replaced by T.
Protein change: p.Thr1106=; no amino-acid change (threonine 1106 retained).
Molecular consequence: synonymous variant. On other transcripts: intron variant (1).
Genome position (GRCh38, 1-based): chr19:10,352,434, C>A on the plus strand (G>T on the coding strand, the complement: TYK2 is on the minus strand). VCF-style: chr19-10352434-C-A. GRCh37 (hg19) VCF-style: chr19-10463110-C-A.
Other names: c.3318G>T, p.Thr1106= (NM_001385197.1, NM_001406461.1); c.3132G>T, p.Thr1044= (NM_001385199.1); c.3315G>T, p.Thr1105= (NM_001385200.1); c.3120G>T, p.Thr1040= (NM_001385201.1); c.3234G>T, p.Thr1078= (NM_001385202.1); c.3399G>T, p.Thr1133= (NM_001385203.1); c.3528G>T, p.Thr1176= (NM_001385204.1); c.3228G>T, p.Thr1076= (NM_001385205.1); and 3 more.
Identifiers: ClinVar variation 2140860 (VCV002140860.2), dbSNP rs140324156, ClinGen allele CA305192710.

ClinVar aggregate classification (germline): Uncertain significance. Review status: criteria provided, multiple submitters, no conflicts (2 of 4 stars). 2 submissions from 2 submitters: Uncertain significance (2). Last evaluated 2022-10-20.

Conditions:
Immunodeficiency 35 (IMD35). Also called: TYK2 DEFICIENCY; HIES WITH ATYPICAL MYCOBACTERIOSIS, AUTOSOMAL RECESSIVE; HYPER-IgE SYNDROME WITH ATYPICAL MYCOBACTERIOSIS, AUTOSOMAL RECESSIVE; Susceptibility to infection due to TYK2 deficiency. Identifiers: Orphanet 331226, MedGen C1969086, MONDO:0012682, OMIM 611521.

Allele frequency attached by ClinVar (database versions not stated): gnomAD 0.00001; TOPMed 0.00001; gnomAD exomes 0.00002; ESP Exome Variant Server 0.00008.
gnomAD v4.1: 24 of 1,605,294 alleles (0.0015%); highest among the groups gnomAD compares: Non-Finnish European, 0.0019%; no homozygotes.

Submissions (2):

Blueprint Genetics
Classification: Uncertain significance. Last evaluated: 2022-10-20. Review status: criteria provided, single submitter. Criteria: ACMG Guidelines, 2015. Collection method: clinical testing. Allele origin: germline.

Labcorp Genetics (formerly Invitae), Labcorp
Classification: Uncertain significance for Immunodeficiency 35. Last evaluated: 2022-08-17. Review status: criteria provided, single submitter. Criteria: Invitae Variant Classification Sherloc (09022015). Collection method: clinical testing. Allele origin: germline.
Comment: This sequence change affects codon 1106 of the TYK2 mRNA. It is a 'silent' change, meaning that it does not change the encoded amino acid sequence of the TYK2 protein. This variant also falls at the last nucleotide of exon 23, which is part of the consensus splice site for this exon. This variant is not present in population databases (gnomAD no frequency). This variant has not been reported in the literature in individuals affected with TYK2-related conditions. Variants that disrupt the consensus splice site are a relatively common cause of aberrant splicing (PMID: 17576681, 9536098). Algorithms developed to predict the effect of sequence changes on RNA splicing suggest that this variant may disrupt the consensus splice site. In summary, the available evidence is currently insufficient to determine the role of this variant in disease. Therefore, it has been classified as a Variant of Uncertain Significance.

Literature cited by the submitters: PubMed 17576681 (cited by Labcorp Genetics (formerly Invitae), Labcorp); PubMed 9536098 (cited by Labcorp Genetics (formerly Invitae), Labcorp).